The following is an entry in ClinVar:

NM_016222.4(DDX41):c.940G>A (p.Val314Ile)

Gene: DDX41 (DEAD-box helicase 41; minus strand). Cytogenetic location: 5q35.3.
Variant type: single nucleotide variant.
Coding change: c.940G>A on transcript NM_016222.4 (MANE Select); coding-DNA position 940, G replaced by A.
Protein change: p.Val314Ile; replaces valine 314 with isoleucine.
Molecular consequence: missense variant.
Genome position (GRCh38, 1-based): chr5:177,513,843, C>T on the plus strand (G>A on the coding strand, the complement: DDX41 is on the minus strand). VCF-style: chr5-177513843-C-T. GRCh37 (hg19) VCF-style: chr5-176940844-C-T.
Other names: c.940G>A (NM_016222.2); c.562G>A, p.Val188Ile (NM_001321732.2, NM_001321830.2); short protein forms V188I, V314I.
Identifiers: ClinVar variation 2674779 (VCV002674779.5), dbSNP rs1761097601, ClinGen allele CA362374607.

ClinVar aggregate classification (germline): Conflicting classifications of pathogenicity. Review status: criteria provided, conflicting classifications (1 of 4 stars). 3 submissions from 3 submitters: Uncertain significance (2); Likely benign (1). Last evaluated 2025-08-11.

Conditions:
DDX41-related hematologic malignancy predisposition syndrome. Also called: Myeloproliferative/lymphoproliferative neoplasms, familial (multiple types), susceptibility to; DDX41-Associated Familial Myelodysplastic Syndrome and Acute Myeloid Leukemia. Identifiers: Orphanet 488647, MedGen C4225174, MONDO:0014809, OMIM 616871.
Inborn genetic diseases. Identifiers: MedGen C0950123, MeSH D030342.

Allele frequency attached by ClinVar (database versions not stated): TOPMed below 0.00001; gnomAD 0.00001.

Submissions (3):

Ambry Genetics
Classification: Likely benign for Inborn genetic diseases. Last evaluated: 2025-08-11. Review status: criteria provided, single submitter. Criteria: Ambry Variant Classification Scheme 2023. Collection method: clinical testing. Allele origin: germline.

Labcorp Genetics (formerly Invitae), Labcorp
Classification: Uncertain significance. Last evaluated: 2025-05-13. Review status: criteria provided, single submitter. Criteria: Invitae Variant Classification Sherloc (09022015). Collection method: clinical testing. Allele origin: germline.
Comment: This sequence change replaces valine, which is neutral and non-polar, with isoleucine, which is neutral and non-polar, at codon 314 of the DDX41 protein (p.Val314Ile). This variant is not present in population databases (gnomAD no frequency). This variant has not been reported in the literature in individuals affected with DDX41-related conditions. ClinVar contains an entry for this variant (Variation ID: 2674779). An algorithm developed to predict the effect of missense changes on protein structure and function (PolyPhen-2) suggests that this variant is likely to be disruptive. In summary, the available evidence is currently insufficient to determine the role of this variant in disease. Therefore, it has been classified as a Variant of Uncertain Significance.

Baylor Genetics
Classification: Uncertain significance for DDX41-related hematologic malignancy predisposition syndrome. Last evaluated: 2023-08-04. Review status: criteria provided, single submitter. Criteria: ACMG Guidelines, 2015. Collection method: clinical testing. Allele origin: unknown.